The following is an entry in ClinVar:

ClinVar aggregate classification (germline): Pathogenic. Review status: criteria provided, multiple submitters, no conflicts (2 of 4 stars). 2 submissions from 2 submitters: Pathogenic (2). Last evaluated 2024-02-24.

Conditions:
CEP290-related disorder. Also called: CEP290-related condition; CEP290-related disorders. Identifiers: MedGen CN239314.
Nephronophthisis. Also called: Juvenile Nephronophthisis. Identifiers: MedGen C0687120, MONDO:0019005, HP:0000090, Orphanet 655.
Joubert syndrome. Also called: JOUBERT-BOLTSHAUSER SYNDROME; Familial aplasia of the vermis. Identifiers: Orphanet 475, MedGen C5979921, MONDO:0018772.
Meckel-Gruber syndrome. Also called: DYSENCEPHALIA SPLANCHNOCYSTICA; GRUBER SYNDROME; Dysencephalia splachnocystica. Identifiers: Orphanet 564, MedGen C0265215, MONDO:0018921.

Submissions (2):

Labcorp Genetics (formerly Invitae), Labcorp
Classification: Pathogenic for Joubert syndrome; Meckel-Gruber syndrome; Nephronophthisis. Last evaluated: 2024-02-24. Review status: criteria provided, single submitter. Criteria: Invitae Variant Classification Sherloc (09022015). Collection method: clinical testing. Allele origin: germline.
Comment: This sequence change creates a premature translational stop signal (p.Arg1084Thrfs*11) in the CEP290 gene. It is expected to result in an absent or disrupted protein product. Loss-of-function variants in CEP290 are known to be pathogenic (PMID: 16909394, 17345604, 20690115). This variant is not present in population databases (gnomAD no frequency). This premature translational stop signal has been observed in individual(s) with Leber congenital amaurosis (PMID: 27422788). ClinVar contains an entry for this variant (Variation ID: 1071059). Algorithms developed to predict the effect of sequence changes on RNA splicing suggest that this variant may disrupt the consensus splice site. For these reasons, this variant has been classified as Pathogenic.

Blueprint Genetics
Classification: Pathogenic for CEP290-related disorders. Last evaluated: 2022-07-04. Review status: criteria provided, single submitter. Criteria: ACMG Guidelines, 2015. Collection method: clinical testing. Allele origin: germline. Affected: yes. Observed: 3 variant alleles.

Literature cited by the submitters: PubMed 16909394 (cited by Labcorp Genetics (formerly Invitae), Labcorp); PubMed 17345604 (cited by Labcorp Genetics (formerly Invitae), Labcorp); PubMed 20690115 (cited by Labcorp Genetics (formerly Invitae), Labcorp); PubMed 27422788 (cited by Labcorp Genetics (formerly Invitae), Labcorp).

NM_025114.4(CEP290):c.3249dup (p.Arg1084fs)

Gene: CEP290 (centrosomal protein 290; minus strand). Cytogenetic location: 12q21.32.
Variant type: Duplication.
Coding change: c.3249dup on transcript NM_025114.4 (MANE Select); coding-DNA position 3249, one base duplicated (A; older notation c.3249dupA).
Protein change: p.Arg1084fs; shifts the reading frame from arginine 1084.
Molecular consequence: frameshift variant.
Genome position (GRCh38, 1-based): chr12:88,093,830, T duplicated on the plus strand (A on the coding strand, the reverse complement: CEP290 is on the minus strand). VCF-style (leftmost placement, unchanged base first): chr12-88093829-G-GT. GRCh37 (hg19) VCF-style: chr12-88487606-G-GT.
Other names: short protein forms R1084fs.
Identifiers: ClinVar variation 1071059 (VCV001071059.10), dbSNP rs2037226237, ClinGen allele CA2499221896.
Genomic context (GRCh38, chr12:88,093,829, plus strand): 5'-CCTCAGCAAATTTGGTTTCCAATTCAAAATTACGTTCCTCCATTTGCTTTAACGAAGTCC[G>GT]TAAGTGTTCATACATTTTTTGACAATGTTCAGCCCGCTGCCTTTCATTTAATTCCTTCAT-3'